The following is an entry in ClinVar:

NM_000264.5(PTCH1):c.872A>T (p.Tyr291Phe)

Gene: PTCH1 (patched 1; minus strand). Cytogenetic location: 9q22.32.
Variant type: single nucleotide variant.
Coding change: c.872A>T on transcript NM_000264.5 (MANE Select); coding-DNA position 872, A replaced by T.
Protein change: p.Tyr291Phe; replaces tyrosine 291 with phenylalanine.
Molecular consequence: missense variant. On other transcripts: non-coding transcript variant (1).
Genome position (GRCh38, 1-based): chr9:95,480,463, T>A on the plus strand (A>T on the coding strand, the complement: PTCH1 is on the minus strand). VCF-style: chr9-95480463-T-A. GRCh37 (hg19) VCF-style: chr9-98242745-T-A.
Other names: c.674A>T, p.Tyr225Phe (NM_001083602.3); c.869A>T, p.Tyr290Phe (NM_001083603.3); c.419A>T, p.Tyr140Phe (NM_001083604.3, NM_001083605.3, NM_001083606.3 and 1 more transcripts); c.872A>T, p.Tyr291Phe (NM_001354918.2); short protein forms Y225F, Y291F, Y140F, Y290F.
Identifiers: ClinVar variation 2861017 (VCV002861017.3), dbSNP rs2538231970, ClinGen allele CA374113928.
Genomic context (GRCh38, chr9:95,480,463, plus strand): 5'-TTGTTGGGGGCTGTGGCGGGGCAGTCTGGATCGGCCGGATTGAGGCAGGGGCGGTCCATG[T>A]AACCATGACCAACCTCAGCCTTATTCAGCATTTCCTCCCAGCTGTCCACTTGATAGTTTA-3'
Protein context (NP_000255.2, residues 281-301): MLNKAEVGHG[Tyr291Phe]MDRPCLNPAD

ClinVar aggregate classification (germline): Uncertain significance (1 of 4 stars; one submission).

Conditions:
Gorlin syndrome. Also called: Basal cell nevus syndrome; Nevoid Basal Cell Carcinoma Syndrome. Identifiers: Orphanet 377, MedGen C0004779, MONDO:0007187.

Allele frequency attached by ClinVar (database versions not stated): gnomAD exomes below 0.00001.
gnomAD v4.1: 2 of 1,612,500 alleles (0.00012%); highest among the groups gnomAD compares: African/African-American, 0.0027%; no homozygotes.

Submission:

Labcorp Genetics (formerly Invitae), Labcorp
Classification: Uncertain significance for Gorlin syndrome. Last evaluated: 2023-05-01. Review status: criteria provided, single submitter. Criteria: Invitae Variant Classification Sherloc (09022015). Collection method: clinical testing. Allele origin: germline.
Comment: In summary, the available evidence is currently insufficient to determine the role of this variant in disease. Therefore, it has been classified as a Variant of Uncertain Significance. Advanced modeling of protein sequence and biophysical properties (such as structural, functional, and spatial information, amino acid conservation, physicochemical variation, residue mobility, and thermodynamic stability) has been performed at Invitae for this missense variant, however the output from this modeling did not meet the statistical confidence thresholds required to predict the impact of this variant on PTCH1 protein function. This variant has not been reported in the literature in individuals affected with PTCH1-related conditions. This variant is not present in population databases (gnomAD no frequency). This sequence change replaces tyrosine, which is neutral and polar, with phenylalanine, which is neutral and non-polar, at codon 291 of the PTCH1 protein (p.Tyr291Phe).